The following is an entry in ClinVar:

ClinVar aggregate classification (germline): Uncertain significance (1 of 4 stars; one submission).

Conditions:
Infantile spasms. Also called: Infantile spasm. Identifiers: MedGen C3887898, HP:0012469.

Submission:

Labcorp Genetics (formerly Invitae), Labcorp
Classification: Uncertain significance for Infantile spasms. Last evaluated: 2024-03-03. Review status: criteria provided, single submitter. Criteria: Invitae Variant Classification Sherloc (09022015). Collection method: clinical testing. Allele origin: germline.
Comment: This sequence change replaces glutamic acid, which is acidic and polar, with alanine, which is neutral and non-polar, at codon 396 of the PIK3AP1 protein (p.Glu396Ala). This variant is not present in population databases (gnomAD no frequency). This variant has not been reported in the literature in individuals affected with PIK3AP1-related conditions. An algorithm developed to predict the effect of missense changes on protein structure and function (PolyPhen-2) suggests that this variant is likely to be disruptive. In summary, the available evidence is currently insufficient to determine the role of this variant in disease. Therefore, it has been classified as a Variant of Uncertain Significance.

NM_152309.3(PIK3AP1):c.1187A>C (p.Glu396Ala)

Gene: PIK3AP1 (phosphoinositide-3-kinase adaptor protein 1; minus strand). Cytogenetic location: 10q24.1.
Variant type: single nucleotide variant.
Coding change: c.1187A>C on transcript NM_152309.3 (MANE Select); coding-DNA position 1187, A replaced by C.
Protein change: p.Glu396Ala; replaces glutamic acid 396 with alanine.
Molecular consequence: missense variant.
Genome position (GRCh38, 1-based): chr10:96,645,661, T>G on the plus strand (A>C on the coding strand, the complement: PIK3AP1 is on the minus strand). VCF-style: chr10-96645661-T-G. GRCh37 (hg19) VCF-style: chr10-98405418-T-G.
Other names: short protein forms E396A.
Identifiers: ClinVar variation 3644324 (VCV003644324.2).
Genomic context (GRCh38, chr10:96,645,661, plus strand): 5'-TCAGCCTCCTCCCCGTGCATCAGTTCCTCTTTAATGTGACTCTTGAGCATGTCCACCGTT[T>G]CCTGAAAGAGAAGATGAGGCCCACGGCGCCCTGAGGCAGCCTGACTTTCCGGGTGGAACT-3'
Protein context (NP_689522.2, residues 386-406): DLRQFIDEYV[Glu396Ala]TVDMLKSHIK